The following is an entry in ClinVar:

NM_001042492.3(NF1):c.8006dup (p.Leu2669fs)

Gene: NF1 (neurofibromin 1; plus strand). Cytogenetic location: 17q11.2.
Variant type: Duplication.
Coding change: c.8006dup on transcript NM_001042492.3 (MANE Select); coding-DNA position 8006, one base duplicated (T; older notation c.8006dupT).
Protein change: p.Leu2669fs; shifts the reading frame from leucine 2669.
Molecular consequence: frameshift variant.
Genome position (GRCh38, 1-based): chr17:31,358,515, T duplicated; the last of 2 consecutive T bases (chr17:31,358,514-31,358,515); duplicating either gives the same sequence. VCF-style (leftmost placement, unchanged base first): chr17-31358513-G-GT. GRCh37 (hg19) VCF-style: chr17-29685531-G-GT.
Other names: c.7943dup, p.Leu2648Phefs (NM_000267.4); short protein forms L2648fs, L2669fs.
Identifiers: ClinVar variation 2002250 (VCV002002250.4), dbSNP rs2508834923, ClinGen allele CA2580093486.

ClinVar aggregate classification (germline): Pathogenic (1 of 4 stars; one submission).

Conditions:
Neurofibromatosis, type 1 (NF1). Also called: Neurofibromatosis, type I; Peripheral type neurofibromatosis; NEUROFIBROMATOSIS, TYPE I, SOMATIC; VON RECKLINGHAUSEN DISEASE. Identifiers: Orphanet 636, MedGen C0027831, MONDO:0018975, OMIM 162200. Disease mechanism: loss of function.

Submission:

Labcorp Genetics (formerly Invitae), Labcorp
Classification: Pathogenic for Neurofibromatosis, type 1. Last evaluated: 2022-06-03. Review status: criteria provided, single submitter. Criteria: Invitae Variant Classification Sherloc (09022015). Collection method: clinical testing. Allele origin: germline.
Comment: This sequence change creates a premature translational stop signal (p.Leu2648Phefs*24) in the NF1 gene. It is expected to result in an absent or disrupted protein product. Loss-of-function variants in NF1 are known to be pathogenic (PMID: 10712197, 23913538). This variant is not present in population databases (gnomAD no frequency). This variant has not been reported in the literature in individuals affected with NF1-related conditions. For these reasons, this variant has been classified as Pathogenic.

Literature cited by the submitters: PubMed 10712197; PubMed 23913538.